The following is an entry in ClinVar:

NM_000053.4(ATP7B):c.3912_3913delinsTT (p.Leu1304Phe)

Gene: ATP7B (ATPase copper transporting beta; minus strand). Cytogenetic location: 13q14.3.
Variant type: Indel.
Coding change: c.3912_3913delinsTT on transcript NM_000053.4 (MANE Select); coding-DNA positions 3912 to 3913, GC replaced by TT.
Protein change: p.Leu1304Phe; replaces leucine 1304 with phenylalanine.
Molecular consequence: missense variant.
Genome position (GRCh38, 1-based): chr13:51,937,384-51,937,385, GC replaced by AA on the plus strand (GC replaced by TT on the coding strand, the reverse complement: ATP7B is on the minus strand). VCF-style: chr13-51937384-GC-AA. GRCh37 (hg19) VCF-style: chr13-52511520-GC-AA.
Other names: c.3291_3292delinsTT, p.Leu1097Phe (NM_001005918.3); c.3579_3580delinsTT, p.Leu1193Phe (NM_001243182.2); c.3678_3679delinsTT, p.Leu1226Phe (NM_001330578.2); c.3660_3661delinsTT, p.Leu1220Phe (NM_001330579.2); short protein forms L1304F, L1220F, L1097F, L1226F, L1193F.
Identifiers: ClinVar variation 526657 (VCV000526657.8), dbSNP rs1555283732, ClinGen allele CA658798147.

ClinVar aggregate classification (germline): Likely pathogenic (1 of 4 stars; one submission).

Conditions:
Wilson disease (WND). Also called: Wilson's disease. Identifiers: Orphanet 905, MedGen C0019202, MONDO:0010200, OMIM 277900. Disease mechanism: loss of function.

Submission:

Labcorp Genetics (formerly Invitae), Labcorp
Classification: Likely pathogenic for Wilson disease. Last evaluated: 2022-09-20. Review status: criteria provided, single submitter. Criteria: Invitae Variant Classification Sherloc (09022015). Collection method: clinical testing. Allele origin: germline.
Comment: ClinVar contains an entry for this variant (Variation ID: 526657). This sequence change replaces leucine, which is neutral and non-polar, with phenylalanine, which is neutral and non-polar, at codon 1304 of the ATP7B protein (p.Leu1304Phe). Information on the frequency of this variant in the gnomAD database is not available, as this variant may be reported differently in the database. A different variant (c.3912G>T) giving rise to the same protein effect has been determined to be pathogenic (PMID: 21610751; Invitae). This suggests that this variant is also likely to be causative of disease. In summary, the currently available evidence indicates that the variant is pathogenic, but additional data are needed to prove that conclusively. Therefore, this variant has been classified as Likely Pathogenic.

Literature cited by the submitters: PubMed 21610751.